The following is an entry in ClinVar:

NM_000548.5(TSC2):c.1840-5G>C

Gene: TSC2 (TSC complex subunit 2; plus strand). Cytogenetic location: 16p13.3.
Variant type: single nucleotide variant.
Coding change: c.1840-5G>C on transcript NM_000548.5 (MANE Select); 5 bases into the intron before coding-DNA position 1840, G replaced by C.
Molecular consequence: intron variant.
Genome position (GRCh38, 1-based): chr16:2,071,505, G>C. VCF-style: chr16-2071505-G-C. GRCh37 (hg19) VCF-style: chr16-2121506-G-C.
Other names: c.1840-5G>C (NM_001114382.3, NM_021055.3, NM_001370405.1 and 3 more transcripts); c.1729-5G>C (NM_001318827.2); c.1240-5G>C (NM_001318831.2); c.1693-5G>C (NM_001318829.2); c.1873-5G>C (NM_001318832.2).
Identifiers: ClinVar variation 1559398 (VCV001559398.13), dbSNP rs2151295776, ClinGen allele CA2573151544.

ClinVar aggregate classification (germline): Conflicting classifications of pathogenicity. Review status: criteria provided, conflicting classifications (1 of 4 stars). 3 submissions from 3 submitters: Uncertain significance (1); Likely benign (2). Last evaluated 2026-08-10.

Conditions:
Hereditary cancer-predisposing syndrome. Also called: Hereditary Cancer Syndrome; Tumor predisposition; Neoplastic Syndromes, Hereditary; Hereditary neoplastic syndrome. Identifiers: Orphanet 140162, MedGen C0027672, MeSH D009386, MONDO:0015356.
Tuberous sclerosis 2 (TSC2). Identifiers: Orphanet 805, MedGen C1860707, MONDO:0013199, OMIM 613254.

Submissions (3):

Ambry Genetics
Classification: Uncertain significance for Hereditary cancer-predisposing syndrome. Last evaluated: 2026-08-10. Review status: criteria provided, single submitter. Criteria: Ambry Variant Classification Scheme 2023. Collection method: clinical testing. Allele origin: germline.
Comment: The c.1840-5G>C intronic variant results from a G to C substitution 5 nucleotides upstream from coding exon 17 in the TSC2 gene. This nucleotide position is not well conserved in available vertebrate species. In silico splice site analysis predicts that this alteration will not have any significant effect on splicing; however, direct evidence is insufficient at this time (Ambry internal data). Based on the available evidence, the clinical significance of this variant remains unclear.

Myriad Genetics, Inc.
Classification: Likely benign for Tuberous sclerosis 2. Last evaluated: 2025-05-15. Review status: criteria provided, single submitter. Criteria: Myriad Autosomal Dominant, Autosomal Recessive and X-Linked Classification Criteria (2023). Collection method: clinical testing. Allele origin: unknown.
Comment: This variant is considered likely benign. This variant is intronic and is not expected to impact mRNA splicing.

Labcorp Genetics (formerly Invitae), Labcorp
Classification: Likely benign for Tuberous sclerosis 2. Last evaluated: 2023-06-16. Review status: criteria provided, single submitter. Criteria: Invitae Variant Classification Sherloc (09022015). Collection method: clinical testing. Allele origin: germline.